The following is an entry in ClinVar:

NM_005228.5(EGFR):c.2852G>A (p.Trp951Ter)

Gene: EGFR (epidermal growth factor receptor; plus strand). Cytogenetic location: 7p11.2.
Variant type: single nucleotide variant.
Coding change: c.2852G>A on transcript NM_005228.5 (MANE Select); coding-DNA position 2852, G replaced by A.
Protein change: p.Trp951Ter; replaces tryptophan 951 with a stop codon.
Molecular consequence: nonsense.
Genome position (GRCh38, 1-based): chr7:55,200,319, G>A. VCF-style: chr7-55200319-G-A. GRCh37 (hg19) VCF-style: chr7-55268012-G-A.
Other names: c.2717G>A, p.Trp906Ter (NM_001346897.2, NM_001346899.2); c.2852G>A, p.Trp951Ter (NM_001346898.2); c.2693G>A, p.Trp898Ter (NM_001346900.2); c.2051G>A, p.Trp684Ter (NM_001346941.2); short protein forms W684*, W906*, W951*, W898*.
Identifiers: ClinVar variation 2757002 (VCV002757002.3), dbSNP rs2128969775, ClinGen allele CA367581667.

ClinVar aggregate classification (germline): Pathogenic (1 of 4 stars; one submission).

Conditions:
EGFR-related lung cancer (EGFR). Identifiers: MedGen CN130014.

Submission:

Labcorp Genetics (formerly Invitae), Labcorp
Classification: Pathogenic for EGFR-related lung cancer. Last evaluated: 2023-08-31. Review status: criteria provided, single submitter. Criteria: Invitae Variant Classification Sherloc (09022015). Collection method: clinical testing. Allele origin: germline.
Comment: For these reasons, this variant has been classified as Pathogenic. Algorithms developed to predict the effect of sequence changes on RNA splicing suggest that this variant may create or strengthen a splice site. This variant has not been reported in the literature in individuals affected with EGFR-related conditions. This variant is not present in population databases (gnomAD no frequency). This sequence change creates a premature translational stop signal (p.Trp951*) in the EGFR gene. It is expected to result in an absent or disrupted protein product. Loss-of-function variants in EGFR are known to be pathogenic (PMID: 7630400, 28726809, 29899996).

Literature cited by the submitters: PubMed 7630400; PubMed 28726809; PubMed 29899996.